The following is an entry in ClinVar:

ClinVar aggregate classification (germline): Benign. Review status: criteria provided, multiple submitters, no conflicts (2 of 4 stars). 3 submissions from 3 submitters: Benign (2). 1 of the submissions does not count toward it. Last evaluated 2016-03-28.

Conditions:
THBS1-related disorder. Also called: THBS1-related condition.

Allele frequency attached by ClinVar (database versions not stated): gnomAD 0.21691 and 0.21845; ESP Exome Variant Server 0.22464; TOPMed 0.23172; 1000 Genomes Project 0.27456; 1000 Genomes Project 30x 0.27623.
gnomAD v4.1: 238,660 of 1,610,294 alleles (15%); highest among the groups gnomAD compares: African/African-American, 42%; 22,758 homozygotes.

Submissions (3):

Laboratory for Molecular Medicine, Mass General Brigham Personalized Medicine
Classification: Benign. Last evaluated: 2016-03-28. Review status: criteria provided, single submitter. Criteria: LMM Criteria. Collection method: clinical testing. Allele origin: germline.
Comment: Variant identified in a genome or exome case(s) and assessed due to predicted null impact of the variant or pathogenic assertions in the literature or databases. Disclaimer: This variant has not undergone full assessment. The following are preliminary notes: Frequency

Breakthrough Genomics
Classification: Benign. Review status: criteria provided, single submitter. Criteria: ACMG Guidelines, 2015. Collection method: not provided. Allele origin: germline. Inheritance: Unknown mechanism. Affected: yes.

PreventionGenetics, part of Exact Sciences
Classification: Benign for THBS1-related condition. Last evaluated: 2019-10-21. Review status: no assertion criteria provided. Collection method: clinical testing. Allele origin: germline. Not counted in ClinVar's aggregate classification.
Comment: This variant is classified as benign based on ACMG/AMP sequence variant interpretation guidelines (Richards et al. 2015 PMID: 25741868, with internal and published modifications).

NM_003246.4(THBS1):c.1567A>G (p.Thr523Ala)

Gene: THBS1 (thrombospondin 1; plus strand). Cytogenetic location: 15q14.
Variant type: single nucleotide variant.
Coding change: c.1567A>G on transcript NM_003246.4 (MANE Select); coding-DNA position 1567, A replaced by G.
Protein change: p.Thr523Ala; replaces threonine 523 with alanine.
Molecular consequence: missense variant.
Genome position (GRCh38, 1-based): chr15:39,588,621, A>G. VCF-style: chr15-39588621-A-G. GRCh37 (hg19) VCF-style: chr15-39880822-A-G.
Other names: c.1567A>G (NM_003246.3); short protein forms T523A.
Identifiers: ClinVar variation 403537 (VCV000403537.7), dbSNP rs2292305, ClinGen allele CA7471975.
Genomic context (GRCh38, chr15:39,588,621, plus strand): 5'-ATCTGTTCTGTCACCTGTGGAGGAGGGGTACAGAAACGTAGTCGTCTCTGCAACAACCCC[A>G]CACCCCAGTTTGGAGGCAAGGACTGCGTTGGTGATGTAACAGAAAACCAGATCTGCAACA-3'
Protein context (NP_003237.2, residues 513-533): QKRSRLCNNP[Thr523Ala]PQFGGKDCVG